The following is an entry in ClinVar:

ClinVar aggregate classification (germline): Conflicting classifications of pathogenicity. Review status: criteria provided, conflicting classifications (1 of 4 stars). 3 submissions from 3 submitters: Likely pathogenic (1); Uncertain significance (1). 1 of the submissions does not count toward it. Last evaluated 2023-02-23.

Conditions:
PRPH2-related disorder. Also called: PRPH2-related condition; PRPH2-related disorders. Identifiers: MedGen CN239395.
Vitelliform macular dystrophy 2. Also called: Best Vitelliform Macular Dystrophy (BVMD); MACULAR DEGENERATION, POLYMORPHIC VITELLINE; Best vitelliform macular dystrophy, multifocal; Best Macular Dystrophy; VITELLIFORM MACULAR DYSTROPHY, EARLY-ONSET; VITELLIFORM MACULAR DYSTROPHY, JUVENILE-ONSET. Identifiers: Orphanet 1243, MedGen C2745945, MONDO:0007931, OMIM 153700.

Submissions (3):

Blueprint Genetics
Classification: Likely pathogenic for PRPH2-related disorders. Last evaluated: 2023-02-23. Review status: criteria provided, single submitter. Criteria: ACMG Guidelines, 2015. Collection method: clinical testing. Allele origin: germline. Affected: yes. Observed: 1 variant allele.

NEI Ophthalmic Genomics Laboratory, National Institutes of Health
Classification: Uncertain significance for Vitelliform macular dystrophy 2. Last evaluated: 2020-01-07. Review status: criteria provided, single submitter. Criteria: ACMG Guidelines, 2015. Collection method: clinical testing. Allele origin: germline. Affected: yes.
Comment: The variant NM_000322.4:c.974_977delAGCT in the PRPH2 gene has not been reported to our knowledge . This variant is not listed in dbSNP and/or HGMD. It is absent in gnomAD browser. It is not enriched in the PRPH2 disease cohort. We invoked ACMG criteria [PM2] and classified NM_000322.4:c.974_977delAGCT in the PRPH2 gene as a Variant of Uncertain Significance.

Leiden Open Variation Database
Classification: Pathogenic. Last evaluated: 2021-04-06. Review status: no assertion criteria provided. Collection method: curation. Allele origin: germline. Affected: yes. Not counted in ClinVar's aggregate classification.
Comment: Curator: Global Variome, with Curator vacancy. Submitter to LOVD: Manon Peeters.

Literature cited by the submitters: PubMed 32531846 (cited by Leiden Open Variation Database).

NM_000322.5(PRPH2):c.974_977del (p.Lys325fs)

Gene: PRPH2 (peripherin 2; minus strand). Cytogenetic location: 6p21.1.
Variant type: Deletion.
Coding change: c.974_977del on transcript NM_000322.5 (MANE Select); coding-DNA positions 974 to 977, 4 bases deleted (AGCT; older notation c.974_977delAGCT).
Protein change: p.Lys325fs; shifts the reading frame from lysine 325.
Molecular consequence: frameshift variant.
Genome position (GRCh38, 1-based): chr6:42,698,359-42,698,362, AGCT deleted on the plus strand (AGCT on the coding strand, the reverse complement: PRPH2 is on the minus strand). VCF-style (leftmost placement, unchanged base first): chr6-42698358-CAGCT-C. GRCh37 (hg19) VCF-style: chr6-42666096-CAGCT-C.
Other names: c.974_977del (NM_000322.4); short protein forms K325fs.
Identifiers: ClinVar variation 973731 (VCV000973731.3), dbSNP rs1799985503, ClinGen allele CA1139659512.
Genomic context (GRCh38, chr6:42,698,358, plus strand): 5'-GCCAGCCTCTGGGGCCTGGCCTGCGTCTGCGCCCTCGGCTTCCACCTGGTTGCCCTTGCC[CAGCT>C]TCTTCACACTCTCCAGAAAGGCCTTCCAGGTCTCCGGCACGCTCCTCTCCAGCAGCCAGC-3'